The following is an entry in ClinVar:

ClinVar aggregate classification (germline): Benign/Likely benign. Review status: criteria provided, multiple submitters, no conflicts (2 of 4 stars). 9 submissions from 8 submitters: Benign (2); Likely benign (7). Last evaluated 2026-05-01.

Conditions:
Hereditary cancer-predisposing syndrome. Also called: Tumor predisposition; Hereditary Cancer Syndrome; Neoplastic Syndromes, Hereditary; Hereditary neoplastic syndrome. Identifiers: Orphanet 140162, MedGen C0027672, MeSH D009386, MONDO:0015356.
Multiple endocrine neoplasia, type 2 (MEN2). Identifiers: Orphanet 653, MedGen C4048306, MONDO:0019003. Disease mechanism: gain of function.
Multiple endocrine neoplasia type 2B. Also called: NEUROMATA, MUCOSAL, WITH ENDOCRINE TUMORS; WAGENMANN-FROBOESE SYNDROME; MULTIPLE ENDOCRINE NEOPLASIA, TYPE III; Multiple Endocrine Neoplasia Type 2B (MEN2B); MUCOSAL NEUROMA SYNDROME; MEN 2B. Identifiers: Orphanet 247709, Orphanet 653, MedGen C0025269, MeSH D018814, MONDO:0008082, OMIM 162300.
Multiple endocrine neoplasia type 2A. Also called: MULTIPLE ENDOCRINE NEOPLASIA, TYPE IIA; PTC SYNDROME; SIPPLE SYNDROME; MEN 2A; MEN-2A syndrome; Pheochromocytoma and amyloid producing medullary thyroid carcinoma. Identifiers: Orphanet 247698, Orphanet 653, MedGen C0025268, MeSH D018813, MONDO:0008234, OMIM 171400.
Pheochromocytoma. Also called: MAX-Related Hereditary Paraganglioma-Pheochromocytoma Syndrome. Identifiers: Orphanet 29072, MedGen C0031511, MONDO:0008233, OMIM 171300, HP:0002666.

Allele frequency attached by ClinVar (database versions not stated): gnomAD 0.00001 and 0.00003; gnomAD exomes 0.00002 and 0.00003; TOPMed 0.00002.
gnomAD v4.1: 43 of 1,608,250 alleles (0.0027%); highest among the groups gnomAD compares: Middle Eastern, 0.066%; no homozygotes.

Submissions (9):

CeGaT Center for Human Genetics Tuebingen
Classification: Likely benign. Last evaluated: 2026-05-01. Review status: criteria provided, single submitter. Criteria: CeGaT Center For Human Genetics Tuebingen Variant Classification Criteria Version 2. Collection method: clinical testing. Allele origin: germline. Affected: yes. Observed: 2 variant alleles.
Comment: RET: BP4, BP7

Labcorp Genetics (formerly Invitae), Labcorp
Classification: Likely benign for Multiple endocrine neoplasia, type 2. Last evaluated: 2026-01-14. Review status: criteria provided, single submitter. Criteria: Invitae Variant Classification Sherloc (09022015). Collection method: clinical testing. Allele origin: germline.

Myriad Genetics, Inc.
Classification: Benign for Multiple endocrine neoplasia type 2A. Last evaluated: 2025-02-26. Review status: criteria provided, single submitter. Criteria: Myriad Autosomal Dominant, Autosomal Recessive and X-Linked Classification Criteria (2023). Collection method: clinical testing. Allele origin: unknown.
Comment: This variant is considered benign. This variant is a silent/synonymous amino acid change and it is not expected to impact splicing.

KCCC/NGS Laboratory, Kuwait Cancer Control Center
Classification: Benign for Pheochromocytoma. Last evaluated: 2025-02-01. Review status: criteria provided, single submitter. Criteria: ACMG Guidelines, 2015. Collection method: clinical testing. Allele origin: germline. Affected: no.

Blueprint Genetics
Classification: Likely benign. Last evaluated: 2024-01-12. Review status: criteria provided, single submitter. Criteria: ACMG Guidelines, 2015. Collection method: clinical testing. Allele origin: germline.

All of Us Research Program, National Institutes of Health
Classification: Likely benign for Multiple endocrine neoplasia, type 2. Last evaluated: 2023-08-28. Review status: criteria provided, single submitter. Criteria: ACMG Guidelines, 2015. Collection method: clinical testing. Allele origin: germline. Inheritance: Autosomal dominant inheritance. Observed: 2 variant alleles, 2 heterozygotes.
Comment: This study involves interpretation of variants in research participants for the purpose of population health screening. Participant phenotype was not available at the time of variant classification. Additional details can be found in publication PMID: 35346344, PMCID: PMC8962531

KCCC/NGS Laboratory, Kuwait Cancer Control Center
Classification: Likely benign for Multiple endocrine neoplasia type 2B. Last evaluated: 2023-07-07. Review status: criteria provided, single submitter. Criteria: ACMG Guidelines, 2015. Collection method: clinical testing. Allele origin: germline. Affected: yes.

Ambry Genetics
Classification: Likely benign for Hereditary cancer-predisposing syndrome. Last evaluated: 2016-03-14. Review status: criteria provided, single submitter. Criteria: Ambry Variant Classification Scheme 2023. Collection method: clinical testing. Allele origin: germline.

PreventionGenetics, part of Exact Sciences
Classification: Likely benign. Review status: criteria provided, single submitter. Criteria: ACMG Guidelines, 2015. Collection method: clinical testing. Allele origin: germline.

NM_020975.6(RET):c.1908G>A (p.Thr636=)

Gene: RET (ret proto-oncogene; plus strand). Cytogenetic location: 10q11.21.
Variant type: single nucleotide variant.
Coding change: c.1908G>A on transcript NM_020975.6 (MANE Select); coding-DNA position 1908, G replaced by A.
Protein change: p.Thr636=; no amino-acid change (threonine 636 retained).
Molecular consequence: synonymous variant. On other transcripts: intron variant (4).
Genome position (GRCh38, 1-based): chr10:43,114,508, G>A. VCF-style: chr10-43114508-G-A. GRCh37 (hg19) VCF-style: chr10-43609956-G-A.
Other names: c.1908G>A, p.Thr636= (NM_000323.2, NM_001406743.1, NM_001406744.1 and 4 more transcripts); c.1146G>A, p.Thr382= (NM_001355216.2); c.1779G>A, p.Thr593= (NM_001406761.1, NM_001406762.1, NM_001406764.1); c.1620G>A, p.Thr540= (NM_001406766.1, NM_001406767.1, NM_001406770.1); c.1512G>A, p.Thr504= (NM_001406769.1, NM_001406772.1); c.1470G>A, p.Thr490= (NM_001406771.1, NM_001406773.1); c.1383G>A, p.Thr461= (NM_001406774.1); c.1182G>A, p.Thr394= (NM_001406775.1, NM_001406776.1, NM_001406777.1 and 1 more transcripts); and 10 more.
Identifiers: ClinVar variation 261395 (VCV000261395.41), dbSNP rs886038663, ClinGen allele CA10587083.